The following is an entry in ClinVar:

ClinVar aggregate classification (germline): Likely pathogenic (1 of 4 stars; one submission).

Conditions:
Dilated cardiomyopathy 1G (CMD1G). Identifiers: Orphanet 154, MedGen C1858763, MONDO:0011400, OMIM 604145.
Autosomal recessive limb-girdle muscular dystrophy type 2J (LGMDR10). Also called: Limb-girdle muscular dystrophy, type 2J; MUSCULAR DYSTROPHY, LIMB-GIRDLE, AUTOSOMAL RECESSIVE 10. Identifiers: Orphanet 140922, MedGen C1837342, MONDO:0012127, OMIM 608807.

gnomAD v4.1: 1 of 1,613,498 alleles (0.000062%); highest among the groups gnomAD compares: Non-Finnish European, 0.000085%; no homozygotes.

Submission:

Labcorp Genetics (formerly Invitae), Labcorp
Classification: Likely pathogenic for Dilated cardiomyopathy 1G; Autosomal recessive limb-girdle muscular dystrophy type 2J. Last evaluated: 2025-06-12. Review status: criteria provided, single submitter. Criteria: Invitae Variant Classification Sherloc (09022015). Collection method: clinical testing. Allele origin: germline.
Comment: This sequence change creates a premature translational stop signal (p.Ser27310*) in the TTN gene. While this is not anticipated to result in nonsense mediated decay, it is expected to create a truncated TTN protein. This variant is not present in population databases (gnomAD no frequency). This variant has not been reported in the literature in individuals affected with TTN-related conditions. ClinVar contains an entry for this variant (Variation ID: 3749469). This variant is located in the A band of TTN (PMID: 25589632). Truncating variants in this region are significantly overrepresented in patients affected with dilated cardiomyopathy (PMID: 25589632). Truncating variants in this region have also been reported in individuals affected with autosomal recessive centronuclear myopathy (PMID: 23975875). In summary, the currently available evidence indicates that the variant is pathogenic, but additional data are needed to prove that conclusively. Therefore, this variant has been classified as Likely Pathogenic.

Literature cited by the submitters: PubMed 25589632; PubMed 23975875.

NM_001267550.2(TTN):c.81929C>G (p.Ser27310Ter)

Genes: TTN (titin; minus strand), TTN-AS1 (TTN antisense RNA 1; plus strand). Cytogenetic location: 2q31.2.
Variant type: single nucleotide variant.
Coding change: c.81929C>G on transcript NM_001267550.2 (MANE Select); coding-DNA position 81929, C replaced by G.
Protein change: p.Ser27310Ter; replaces serine 27310 with a stop codon.
Molecular consequence: nonsense.
Genome position (GRCh38, 1-based): chr2:178,564,203, G>C on the plus strand (C>G on the coding strand, the complement: TTN is on the minus strand). VCF-style: chr2-178564203-G-C. GRCh37 (hg19) VCF-style: chr2-179428930-G-C.
Other names: c.77006C>G, p.Ser25669Ter (NM_001256850.1); c.54734C>G, p.Ser18245Ter (NM_003319.4); c.74225C>G, p.Ser24742Ter (NM_133378.4); c.55109C>G, p.Ser18370Ter (NM_133432.3); c.55310C>G, p.Ser18437Ter (NM_133437.4); short protein forms S18245*, S18370*, S18437*, S24742*, S25669*, S27310*.
Identifiers: ClinVar variation 3749469 (VCV003749469.2).
Genomic context (GRCh38, chr2:178,564,203, plus strand): 5'-TGAATAGTAGATTTAATTTCCATTCTAGCAGCTGTTTCTTCAAGTTCTTTTCCATCTTTT[G>C]ACCAAACAACATCAGGTATAGGTTTGCCACGGATGTCGGCTTCAAGAACAAAAGTCTCTC-3'